The following is an entry in ClinVar:

ClinVar aggregate classification (germline): Uncertain significance. Review status: criteria provided, single submitter (1 of 4 stars). 2 submissions from 2 submitters: Uncertain significance (1). 1 of the submissions does not count toward it. Last evaluated 2016-10-24.

Conditions:
ABCB11-related disorder. Also called: ABCB11-related condition.

Allele frequency attached by ClinVar (database versions not stated): gnomAD exomes 0.00003; TOPMed 0.00004; ExAC 0.00002; gnomAD 0.00003.
gnomAD v4.1: 11 of 1,610,882 alleles (0.00068%); highest among the groups gnomAD compares: Admixed American, 0.018%; no homozygotes.

Submissions (2):

Eurofins Ntd Llc (ga)
Classification: Uncertain significance. Last evaluated: 2016-10-24. Review status: criteria provided, single submitter. Criteria: EGL Classification Definitions 2015. Collection method: clinical testing. Allele origin: germline. Observed: 1 variant allele, 1 heterozygote.

PreventionGenetics, part of Exact Sciences
Classification: Uncertain significance for ABCB11-related condition. Last evaluated: 2024-09-02. Review status: no assertion criteria provided. Collection method: clinical testing. Allele origin: germline. Not counted in ClinVar's aggregate classification.
Comment: The ABCB11 c.2194G>C variant is predicted to result in the amino acid substitution p.Val732Leu. To our knowledge, this variant has not been reported in the literature. This variant is reported in 0.026% of alleles in individuals of Latino descent in gnomAD. At this time, the clinical significance of this variant is uncertain due to the absence of conclusive functional and genetic evidence.

NM_003742.4(ABCB11):c.2194G>C (p.Val732Leu)

Gene: ABCB11 (ATP binding cassette subfamily B member 11; minus strand). Cytogenetic location: 2q31.1.
Variant type: single nucleotide variant.
Coding change: c.2194G>C on transcript NM_003742.4 (MANE Select); coding-DNA position 2194, G replaced by C.
Protein change: p.Val732Leu; replaces valine 732 with leucine.
Molecular consequence: missense variant.
Genome position (GRCh38, 1-based): chr2:168,958,113, C>G on the plus strand (G>C on the coding strand, the complement: ABCB11 is on the minus strand). VCF-style: chr2-168958113-C-G. GRCh37 (hg19) VCF-style: chr2-169814623-C-G.
Other names: c.2194G>C, p.Val732Leu (LRG_1199t1); c.2194G>C (NM_003742.2); short protein forms V732L.
Identifiers: ClinVar variation 498149 (VCV000498149.6), dbSNP rs746408716, ClinGen allele CA1951328.